The following is an entry in ClinVar:

NM_003489.4(NRIP1):c.2551A>T (p.Asn851Tyr)

Gene: NRIP1 (nuclear receptor interacting protein 1; minus strand). Cytogenetic location: 21q11.2.
Variant type: single nucleotide variant.
Coding change: c.2551A>T on transcript NM_003489.4 (MANE Select); coding-DNA position 2551, A replaced by T.
Protein change: p.Asn851Tyr; replaces asparagine 851 with tyrosine.
Molecular consequence: missense variant.
Genome position (GRCh38, 1-based): chr21:14,965,642, T>A on the plus strand (A>T on the coding strand, the complement: NRIP1 is on the minus strand). VCF-style: chr21-14965642-T-A. GRCh37 (hg19) VCF-style: chr21-16337963-T-A.
Other names: short protein forms N851Y.
Identifiers: ClinVar variation 2066897 (VCV002066897.3), dbSNP rs143359165, ClinGen allele CA9981124.

ClinVar aggregate classification (germline): Uncertain significance (1 of 4 stars; one submission).

Allele frequency attached by ClinVar (database versions not stated): ExAC 0.00012; ESP Exome Variant Server 0.00046; 1000 Genomes Project 30x 0.00078; 1000 Genomes Project 0.00080.
gnomAD v4.1: 140 of 1,613,250 alleles (0.0087%); highest among the groups gnomAD compares: African/African-American, 0.16%; no homozygotes.

Submission:

Labcorp Genetics (formerly Invitae), Labcorp
Classification: Uncertain significance. Last evaluated: 2024-08-10. Review status: criteria provided, single submitter. Criteria: Invitae Variant Classification Sherloc (09022015). Collection method: clinical testing. Allele origin: germline.
Comment: This sequence change replaces asparagine, which is neutral and polar, with tyrosine, which is neutral and polar, at codon 851 of the NRIP1 protein (p.Asn851Tyr). This variant is present in population databases (rs143359165, gnomAD 0.1%), and has an allele count higher than expected for a pathogenic variant. This variant has not been reported in the literature in individuals affected with NRIP1-related conditions. ClinVar contains an entry for this variant (Variation ID: 2066897). An algorithm developed to predict the effect of missense changes on protein structure and function (PolyPhen-2) suggests that this variant is likely to be disruptive. In summary, the available evidence is currently insufficient to determine the role of this variant in disease. Therefore, it has been classified as a Variant of Uncertain Significance.